The following is an entry in ClinVar:

ClinVar aggregate classification (germline): Uncertain significance (1 of 4 stars; one submission).

Conditions:
Developmental and epileptic encephalopathy, 12 (DEE12). Identifiers: MedGen C3150988, MONDO:0013389, OMIM 613722.

Submission:

Labcorp Genetics (formerly Invitae), Labcorp
Classification: Uncertain significance for Early infantile epileptic encephalopathy 12. Last evaluated: 2018-12-10. Review status: criteria provided, single submitter. Criteria: Invitae Variant Classification Sherloc (09022015). Collection method: clinical testing. Allele origin: germline.
Comment: This sequence change replaces isoleucine with leucine at codon 194 of the PNKP protein (p.Ile194Leu). The isoleucine residue is highly conserved and there is a small physicochemical difference between isoleucine and leucine. This variant is not present in population databases (ExAC no frequency). This variant has not been reported in the literature in individuals with PNKP-related conditions. Algorithms developed to predict the effect of missense changes on protein structure and function (SIFT, PolyPhen-2, Align-GVGD) all suggest that this variant is likely to be tolerated, but these predictions have not been confirmed by published functional studies and their clinical significance is uncertain. In summary, the available evidence is currently insufficient to determine the role of this variant in disease. Therefore, it has been classified as a Variant of Uncertain Significance.

NM_007254.4(PNKP):c.580A>C (p.Ile194Leu)

Gene: PNKP (polynucleotide kinase 3'-phosphatase; minus strand). Cytogenetic location: 19q13.33.
Variant type: single nucleotide variant.
Coding change: c.580A>C on transcript NM_007254.4 (MANE Select); coding-DNA position 580, A replaced by C.
Protein change: p.Ile194Leu; replaces isoleucine 194 with leucine.
Molecular consequence: missense variant.
Genome position (GRCh38, 1-based): chr19:49,864,235, T>G on the plus strand (A>C on the coding strand, the complement: PNKP is on the minus strand). VCF-style: chr19-49864235-T-G. GRCh37 (hg19) VCF-style: chr19-50367492-T-G.
Other names: short protein forms I194L.
Identifiers: ClinVar variation 644951 (VCV000644951.1), dbSNP rs1600420665, ClinGen allele CA406886895.